The following is an entry in ClinVar:

ClinVar aggregate classification (germline): Conflicting classifications of pathogenicity. Review status: criteria provided, conflicting classifications (1 of 4 stars). 2 submissions from 2 submitters: Uncertain significance (1); Likely benign (1). Last evaluated 2024-01-25.

Conditions:
Myofibrillar myopathy 5. Also called: Filaminopathy (type); FILAMINOPATHY, AUTOSOMAL DOMINANT. Identifiers: Orphanet 171445, MedGen C1836050, MONDO:0012289, OMIM 609524.
Dilated Cardiomyopathy, Dominant.
Distal myopathy with posterior leg and anterior hand involvement. Also called: WILLIAMS DISTAL MYOPATHY. Identifiers: Orphanet 63273, MedGen C3279722, MONDO:0013550, OMIM 614065.
Hypertrophic cardiomyopathy 26. Also called: Cardiomyopathy, familial hypertrophic, 26. Identifiers: Orphanet 75249, MedGen C4310749, MONDO:0014883, OMIM 617047.

Allele frequency attached by ClinVar (database versions not stated): gnomAD 0.00003; TOPMed 0.00003.
gnomAD v4.1: 60 of 1,613,536 alleles (0.0037%); highest among the groups gnomAD compares: Non-Finnish European, 0.0036%; no homozygotes.

Submissions (2):

Blueprint Genetics
Classification: Likely benign. Last evaluated: 2024-01-25. Review status: criteria provided, single submitter. Criteria: ACMG Guidelines, 2015. Collection method: clinical testing. Allele origin: germline.

Labcorp Genetics (formerly Invitae), Labcorp
Classification: Uncertain significance for Distal myopathy with posterior leg and anterior hand involvement; Myofibrillar myopathy 5; Hypertrophic cardiomyopathy 26. Last evaluated: 2021-08-31. Review status: criteria provided, single submitter. Criteria: Invitae Variant Classification Sherloc (09022015). Collection method: clinical testing. Allele origin: germline.
Comment: This sequence change falls in intron 18 of the FLNC gene. It does not directly change the encoded amino acid sequence of the FLNC protein. It affects a nucleotide within the consensus splice site of the intron. This variant is present in population databases (rs750718546, ExAC 0.03%), and has an allele count higher than expected for a pathogenic variant (PMID: 28166811). This variant has not been reported in the literature in individuals affected with FLNC-related conditions. Variants that disrupt the consensus splice site are a relatively common cause of aberrant splicing (PMID: 17576681, 9536098). Algorithms developed to predict the effect of sequence changes on RNA splicing suggest that this variant is not likely to affect RNA splicing. In summary, the available evidence is currently insufficient to determine the role of this variant in disease. Therefore, it has been classified as a Variant of Uncertain Significance.

Literature cited by the submitters: PubMed 28166811 (cited by Labcorp Genetics (formerly Invitae), Labcorp); PubMed 17576681 (cited by Labcorp Genetics (formerly Invitae), Labcorp); PubMed 9536098 (cited by Labcorp Genetics (formerly Invitae), Labcorp).

NM_001458.5(FLNC):c.2811+6C>T

Gene: FLNC (filamin C; plus strand). Cytogenetic location: 7q32.1.
Variant type: single nucleotide variant.
Coding change: c.2811+6C>T on transcript NM_001458.5 (MANE Select); 6 bases into the intron after coding-DNA position 2811, C replaced by T.
Molecular consequence: intron variant.
Genome position (GRCh38, 1-based): chr7:128,843,583, C>T. VCF-style: chr7-128843583-C-T. GRCh37 (hg19) VCF-style: chr7-128483637-C-T.
Other names: c.2811+6C>T (NM_001127487.2).
Identifiers: ClinVar variation 1018876 (VCV001018876.7), dbSNP rs750718546, ClinGen allele CA4474845.